The following is an entry in ClinVar:

ClinVar aggregate classification (germline): Pathogenic. Review status: reviewed by expert panel (3 of 4 stars). 5 submissions from 5 submitters: Pathogenic (1). 4 of the submissions do not count toward it. Last evaluated 2025-05-19.

Conditions:
Hereditary cancer-predisposing syndrome. Also called: Hereditary neoplastic syndrome; Hereditary Cancer Syndrome; Tumor predisposition; Neoplastic Syndromes, Hereditary. Identifiers: Orphanet 140162, MedGen C0027672, MeSH D009386, MONDO:0015356.
Familial adenomatous polyposis 1 (FAP1). Also called: POLYPOSIS, ADENOMATOUS INTESTINAL; FAMILIAL ADENOMATOUS POLYPOSIS 1, ATTENUATED. Identifiers: MedGen C2713442, MONDO:0021056, OMIM 175100. Disease mechanism: loss of function.

Submissions (5):

ClinGen InSiGHT Hereditary Colorectal Cancer/Polyposis Variant Curation Expert Panel
Classification: Pathogenic for Familial adenomatous polyposis 1. Last evaluated: 2025-05-19. Review status: reviewed by expert panel. Criteria: ClinGen InSiGHT HCCP VCEP ACMG Specifications APC V1. Collection method: curation. Allele origin: germline. Inheritance: Autosomal dominant inheritance.
Comment: The NM_000038.6(APC):c.6510del (p.Glu2172ArgfsTer10) variant in APC is a frameshift variant located between codon 49 and 2645 and predicted to cause a premature stop codon in exon 16 in a gene in which loss-of-function is an established disease mechanism (PVS1). This variant has been reported in 2 probands meeting phenotypic criteria, resulting in a total phenotype score of 1 (PS4_Supporting; internal data GeneDx and Ambry Genetics). This variant is absent from gnomAD v2.1.1 (PM2_Supporting). In summary, this variant meets the criteria to be classified as Pathogenic for autosomal-dominant inherited FAP based on the ACMG/AMP criteria applied, as specified by the ClinGen InSiGHT Hereditary Colorectal Cancer/Polyposis VCEP: criteria PVS1, PS4_Supporting, and PM2_Supporting applied (VCEP specifications v2.1.0; date of approval 11/24/2023).

Ambry Genetics
Classification: Pathogenic for Hereditary cancer-predisposing syndrome. Last evaluated: 2024-07-02. Review status: criteria provided, single submitter. Criteria: Ambry Variant Classification Scheme 2023. Collection method: clinical testing. Allele origin: germline. Not counted in ClinVar's aggregate classification.
Comment: The c.6510delA variant, located in coding exon 15 of the APC gene, results from a deletion of one nucleotide at nucleotide position 6510, causing a translational frameshift with a predicted alternate stop codon (p.E2172Rfs*10). This alteration occurs at the 3' terminus of theAPC gene, is not expected to trigger nonsense-mediated mRNA decay, and only impacts the last 23% of the protein. However, premature stop codons are typically deleterious in nature, the impacted region is critical for protein function, and a significant portion of the protein is affected (Ambry internal data). This variant has been observed in at least one individual with a personal and/or family history that is consistent with APC-associated polyposis conditions (Ambry internal data). This variant is considered to be rare based on population cohorts in the Genome Aggregation Database (gnomAD). Based on the supporting evidence, this variant is interpreted as a disease-causing mutation.

Myriad Genetics, Inc.
Classification: Pathogenic for Familial adenomatous polyposis 1. Last evaluated: 2023-05-15. Review status: criteria provided, single submitter. Criteria: Myriad Autosomal Dominant, Autosomal Recessive and X-Linked Classification Criteria (2023). Collection method: clinical testing. Allele origin: unknown. Not counted in ClinVar's aggregate classification.
Comment: This variant is considered pathogenic. This variant creates a frameshift predicted to result in premature protein truncation.

GeneDx
Classification: Pathogenic. Last evaluated: 2017-04-14. Review status: criteria provided, single submitter. Criteria: GeneDx Variant Classification (06012015). Collection method: clinical testing. Allele origin: germline. Affected: yes. Not counted in ClinVar's aggregate classification.
Comment: This deletion of one nucleotide in APC is denoted c.6510delA at the cDNA level and p.Glu2172ArgfsX10 (E2172RfsX10) at the protein level. The normal sequence, with the base that is deleted in brackets, is AACC[delA]GGGGA. The deletion causes a frameshift which changes a Glutamic Acid to an Arginine at codon 2172, and creates a premature stop codon at position 10 of the new reading frame. Although this variant has not, to our knowledge, been reported in the literature, it is expected to result in protein truncation and the last 672 correct amino acids are replaced by 9 incorrect ones. Based on the currently available information, we consider this variant to be pathogenic.

Quest Diagnostics Nichols Institute San Juan Capistrano
Classification: Uncertain significance. Last evaluated: 2016-11-25. Review status: criteria provided, single submitter. Criteria: Quest Diagnostics criteria. Collection method: clinical testing. Allele origin: germline. Not counted in ClinVar's aggregate classification.

NM_000038.6(APC):c.6510del (p.Glu2172fs)

Gene: APC (APC regulator of Wnt signaling pathway; plus strand). Cytogenetic location: 5q22.2.
Variant type: Deletion.
Coding change: c.6510del on transcript NM_000038.6 (MANE Select); coding-DNA position 6510, one base deleted (A; older notation c.6510delA).
Protein change: p.Glu2172fs; shifts the reading frame from glutamic acid 2172.
Molecular consequence: frameshift variant.
Genome position (GRCh38, 1-based): chr5:112,842,104, A deleted. VCF-style (leftmost placement, unchanged base first): chr5-112842103-CA-C. GRCh37 (hg19) VCF-style: chr5-112177800-CA-C.
Other names: NM_000038.6(APC):c.6510del; p.Glu2172fs; c.6510del, p.Glu2172fs (NM_001127510.3, NM_001354895.2); c.6456del, p.Glu2154fs (NM_001127511.3); c.6564del, p.Glu2190fs (NM_001354896.2); c.6540del, p.Glu2182fs (NM_001354897.2); c.6435del, p.Glu2147fs (NM_001354898.2); c.6426del, p.Glu2144fs (NM_001354899.2); and 7 more; short protein forms E1889fs, E2113fs, E2190fs, E2012fs, E2046fs, E2144fs, E2182fs, E2071fs.
Identifiers: ClinVar variation 438884 (VCV000438884.5), dbSNP rs1554087474, ClinGen allele CA645509163.